The following is an entry in ClinVar:

ClinVar aggregate classification (germline): Uncertain significance (1 of 4 stars; one submission).

Conditions:
Hereditary cancer-predisposing syndrome. Also called: Hereditary Cancer Syndrome; Hereditary neoplastic syndrome; Neoplastic Syndromes, Hereditary; Tumor predisposition. Identifiers: Orphanet 140162, MedGen C0027672, MeSH D009386, MONDO:0015356.

Submission:

Ambry Genetics
Classification: Uncertain significance for Hereditary cancer-predisposing syndrome. Last evaluated: 2021-10-04. Review status: criteria provided, single submitter. Criteria: Ambry Variant Classification Scheme 2023. Collection method: clinical testing. Allele origin: germline.
Comment: The p.H145Q variant (also known as c.435C>A), located in coding exon 4 of the SDHD gene, results from a C to A substitution at nucleotide position 435. The histidine at codon 145 is replaced by glutamine, an amino acid with highly similar properties. This amino acid position is well conserved in available vertebrate species. In addition, the in silico prediction for this alteration is inconclusive. Since supporting evidence is limited at this time, the clinical significance of this alteration remains unclear.

NM_003002.4(SDHD):c.435C>A (p.His145Gln)

Gene: SDHD (succinate dehydrogenase complex subunit D; plus strand). Cytogenetic location: 11q23.1.
Variant type: single nucleotide variant.
Coding change: c.435C>A on transcript NM_003002.4 (MANE Select); coding-DNA position 435, C replaced by A.
Protein change: p.His145Gln; replaces histidine 145 with glutamine.
Molecular consequence: missense variant. On other transcripts: 3 prime UTR variant (2), non-coding transcript variant (1).
Genome position (GRCh38, 1-based): chr11:112,094,925, C>A. VCF-style: chr11-112094925-C-A. GRCh37 (hg19) VCF-style: chr11-111965649-C-A.
Other names: c.*32C>A (NM_001276503.2); c.318C>A, p.His106Gln (NM_001276504.2); c.*133C>A (NM_001276506.2); short protein forms H106Q, H145Q.
Identifiers: ClinVar variation 1739986 (VCV001739986.2), dbSNP rs200062830, ClinGen allele CA382619404.